The following is an entry in ClinVar:

ClinVar aggregate classification (germline): Uncertain significance. Review status: criteria provided, multiple submitters, no conflicts (2 of 4 stars). 2 submissions from 2 submitters: Uncertain significance (2). Last evaluated 2026-03-22.

Conditions:
Wilms tumor 1 (WT1). Also called: Wilms tumor, somatic. Identifiers: Orphanet 654, MedGen CN033288, MONDO:0008679, OMIM 194070.
11p partial monosomy syndrome (WAGR). Also called: WAGR Spectrum Disorder; CHROMOSOME 11p13 DELETION SYNDROME; WAGR syndrome; WAGR Complex. Identifiers: Orphanet 893, MedGen C0206115, MONDO:0008681, OMIM 194072.
Frasier syndrome. Identifiers: Orphanet 347, MedGen C0950122, MeSH D052159, MONDO:0007635, OMIM 136680.
Drash syndrome (DDS). Also called: NEPHROPATHY, WILMS TUMOR, AND GENITAL ANOMALIES; WILMS TUMOR AND PSEUDO- OR TRUE HERMAPHRODITISM. Identifiers: Orphanet 220, MedGen C0950121, MONDO:0008682, OMIM 194080.
Inborn genetic diseases. Identifiers: MedGen C0950123, MeSH D030342.

Allele frequency attached by ClinVar (database versions not stated): gnomAD exomes below 0.00001; ExAC 0.00001.
gnomAD v4.1: 3 of 1,613,982 alleles (0.00019%); highest among the groups gnomAD compares: Non-Finnish European, 0.00025%; no homozygotes.

Submissions (2):

Ambry Genetics
Classification: Uncertain significance for Inborn genetic diseases. Last evaluated: 2026-03-22. Review status: criteria provided, single submitter. Criteria: Ambry Variant Classification Scheme 2023. Collection method: clinical testing. Allele origin: germline.
Comment: The p.T298A variant (also known as c.892A>G), located in coding exon 4 of the WT1 gene, results from an A to G substitution at nucleotide position 892. The threonine at codon 298 is replaced by alanine, an amino acid with similar properties. This amino acid position is conserved. In addition, the in silico prediction for this alteration is inconclusive. Based on the available evidence, the clinical significance of this variant remains unclear.

Labcorp Genetics (formerly Invitae), Labcorp
Classification: Uncertain significance for Wilms tumor 1; Drash syndrome; 11p partial monosomy syndrome; Frasier syndrome. Last evaluated: 2024-08-27. Review status: criteria provided, single submitter. Criteria: Invitae Variant Classification Sherloc (09022015). Collection method: clinical testing. Allele origin: germline.
Comment: This sequence change replaces threonine, which is neutral and polar, with alanine, which is neutral and non-polar, at codon 298 of the WT1 protein (p.Thr298Ala). This variant is present in population databases (rs762325377, gnomAD 0.0009%). This variant has not been reported in the literature in individuals affected with WT1-related conditions. Invitae Evidence Modeling of protein sequence and biophysical properties (such as structural, functional, and spatial information, amino acid conservation, physicochemical variation, residue mobility, and thermodynamic stability) indicates that this missense variant is not expected to disrupt WT1 protein function with a negative predictive value of 95%. In summary, the available evidence is currently insufficient to determine the role of this variant in disease. Therefore, it has been classified as a Variant of Uncertain Significance.

NM_024426.6(WT1):c.907A>G (p.Thr303Ala)

Gene: WT1 (WT1 transcription factor; minus strand). Cytogenetic location: 11p13.
Variant type: single nucleotide variant.
Coding change: c.907A>G on transcript NM_024426.6 (MANE Select); coding-DNA position 907, A replaced by G.
Protein change: p.Thr303Ala; replaces threonine 303 with alanine.
Molecular consequence: missense variant. On other transcripts: non-coding transcript variant (2).
Genome position (GRCh38, 1-based): chr11:32,417,635, T>C on the plus strand (A>G on the coding strand, the complement: WT1 is on the minus strand). VCF-style: chr11-32417635-T-C. GRCh37 (hg19) VCF-style: chr11-32439181-T-C.
Other names: c.145A>G, p.Thr49Ala (NM_001407051.1); c.907A>G, p.Thr303Ala (NM_024424.5, NM_000378.6, NM_001407044.1 and 4 more transcripts); c.892A>G, p.Thr298Ala (NM_024425.2); c.256A>G, p.Thr86Ala (NM_001198551.2, NM_001198552.2); c.784A>G, p.Thr262Ala (NM_001407047.1, NM_001407050.1); c.892A>G (NM_024426.4); short protein forms T49A, T86A, T262A, T298A, T303A.
Identifiers: ClinVar variation 2935848 (VCV002935848.4), dbSNP rs762325377, ClinGen allele CA065871.